The following is an entry in ClinVar:

NM_001739.2(CA5A):c.668C>A (p.Thr223Asn)

Gene: CA5A (carbonic anhydrase 5A; minus strand). Cytogenetic location: 16q24.2.
Variant type: single nucleotide variant.
Coding change: c.668C>A on transcript NM_001739.2 (MANE Select); coding-DNA position 668, C replaced by A.
Protein change: p.Thr223Asn; replaces threonine 223 with asparagine.
Molecular consequence: missense variant. On other transcripts: non-coding transcript variant (2).
Genome position (GRCh38, 1-based): chr16:87,891,905, G>T on the plus strand (C>A on the coding strand, the complement: CA5A is on the minus strand). VCF-style: chr16-87891905-G-T. GRCh37 (hg19) VCF-style: chr16-87925511-G-T.
Other names: c.668C>A (NM_001739.1); c.668C>A, p.Thr223Asn (NM_001367225.1); short protein forms T223N.
Identifiers: ClinVar variation 1418734 (VCV001418734.9), dbSNP rs144744608, ClinGen allele CA8223324.

ClinVar aggregate classification (germline): Uncertain significance. Review status: criteria provided, multiple submitters, no conflicts (2 of 4 stars). 2 submissions from 2 submitters: Uncertain significance (2). Last evaluated 2023-02-23.

Conditions:
Inborn genetic diseases. Identifiers: MedGen C0950123, MeSH D030342.
Hyperammonemic encephalopathy due to carbonic anhydrase VA deficiency. Also called: Carbonic anhydrase VA deficiency, hyperammonemia due to; Carbonic Anhydrase VA Deficiency. Identifiers: Orphanet 401948, MedGen C4706871, MONDO:0014332, OMIM 615751.

Allele frequency attached by ClinVar (database versions not stated): gnomAD exomes below 0.00001 and 0.00001; ExAC 0.00002; gnomAD 0.00003 and 0.00004; TOPMed 0.00004; ESP Exome Variant Server 0.00015.
gnomAD v4.1: 7 of 1,568,976 alleles (0.00045%); highest among the groups gnomAD compares: African/African-American, 0.0096%; no homozygotes.

Submissions (2):

Ambry Genetics
Classification: Uncertain significance for Inborn genetic diseases. Last evaluated: 2023-02-23. Review status: criteria provided, single submitter. Criteria: Ambry Variant Classification Scheme 2023. Collection method: clinical testing. Allele origin: germline.

Labcorp Genetics (formerly Invitae), Labcorp
Classification: Uncertain significance for Hyperammonemic encephalopathy due to carbonic anhydrase VA deficiency. Last evaluated: 2021-04-02. Review status: criteria provided, single submitter. Criteria: Invitae Variant Classification Sherloc (09022015). Collection method: clinical testing. Allele origin: germline.
Comment: Algorithms developed to predict the effect of missense changes on protein structure and function (SIFT, PolyPhen-2, Align-GVGD) all suggest that this variant is likely to be tolerated, but these predictions have not been confirmed by published functional studies and their clinical significance is uncertain. This variant has not been reported in the literature in individuals with CA5A-related conditions. This variant is present in population databases (rs144744608, ExAC 0.02%). This sequence change replaces threonine with asparagine at codon 223 of the CA5A protein (p.Thr223Asn). The threonine residue is weakly conserved and there is a small physicochemical difference between threonine and asparagine. In summary, the available evidence is currently insufficient to determine the role of this variant in disease. Therefore, it has been classified as a Variant of Uncertain Significance.